The following is an entry in ClinVar:

NM_000245.4(MET):c.3059C>T (p.Ser1020Leu)

Gene: MET (MET proto-oncogene, receptor tyrosine kinase; plus strand). Cytogenetic location: 7q31.2.
Variant type: single nucleotide variant.
Coding change: c.3059C>T on transcript NM_000245.4 (MANE Select); coding-DNA position 3059, C replaced by T.
Protein change: p.Ser1020Leu; replaces serine 1020 with leucine.
Molecular consequence: missense variant.
Genome position (GRCh38, 1-based): chr7:116,774,911, C>T. VCF-style: chr7-116774911-C-T. GRCh37 (hg19) VCF-style: chr7-116414965-C-T.
Other names: c.3113C>T, p.Ser1038Leu (NM_001127500.3); c.1769C>T, p.Ser590Leu (NM_001324402.2); short protein forms S1038L, S590L, S1020L.
Identifiers: ClinVar variation 1727779 (VCV001727779.2), dbSNP rs2117029815, ClinGen allele CA368987891.

ClinVar aggregate classification (germline): Uncertain significance (1 of 4 stars; one submission).

Conditions:
Hereditary cancer-predisposing syndrome. Also called: Tumor predisposition; Neoplastic Syndromes, Hereditary; Hereditary Cancer Syndrome; Hereditary neoplastic syndrome. Identifiers: Orphanet 140162, MedGen C0027672, MeSH D009386, MONDO:0015356.

Submission:

Ambry Genetics
Classification: Uncertain significance for Hereditary cancer-predisposing syndrome. Last evaluated: 2022-10-19. Review status: criteria provided, single submitter. Criteria: Ambry Variant Classification Scheme 2023. Collection method: clinical testing. Allele origin: germline.
Comment: The p.S1038L variant (also known as c.3113C>T), located in coding exon 14 of the MET gene, results from a C to T substitution at nucleotide position 3113. The serine at codon 1038 is replaced by leucine, an amino acid with dissimilar properties. This amino acid position is conserved. In addition, the in silico prediction for this alteration is inconclusive. Since supporting evidence is limited at this time, the clinical significance of this alteration remains unclear.